The following is an entry in ClinVar:

NM_002386.4(MC1R):c.653C>G (p.Ala218Gly)

Gene: MC1R (melanocortin 1 receptor; plus strand). Cytogenetic location: 16q24.3.
Variant type: single nucleotide variant.
Coding change: c.653C>G on transcript NM_002386.4 (MANE Select); coding-DNA position 653, C replaced by G.
Protein change: p.Ala218Gly; replaces alanine 218 with glycine.
Molecular consequence: missense variant.
Genome position (GRCh38, 1-based): chr16:89,919,911, C>G. VCF-style: chr16-89919911-C-G. GRCh37 (hg19) VCF-style: chr16-89986319-C-G.
Other names: short protein forms A218G.
Identifiers: ClinVar variation 886733 (VCV000886733.12), dbSNP rs749385653, ClinGen allele CA8255698.

ClinVar aggregate classification (germline): Uncertain significance. Review status: criteria provided, multiple submitters, no conflicts (2 of 4 stars). 2 submissions from 2 submitters: Uncertain significance (2). Last evaluated 2024-10-23.

Conditions:
Melanoma, cutaneous malignant, susceptibility to, 5. Also called: Cutaneous malignant melanoma 5. Identifiers: Orphanet 618, MedGen C2751295, MONDO:0013133, OMIM 613099.

Allele frequency attached by ClinVar (database versions not stated): ExAC 0.00001; gnomAD 0.00001; gnomAD exomes 0.00001 and 0.00003.

Submissions (2):

Labcorp Genetics (formerly Invitae), Labcorp
Classification: Uncertain significance for Melanoma, cutaneous malignant, susceptibility to, 5. Last evaluated: 2024-10-23. Review status: criteria provided, single submitter. Criteria: Invitae Variant Classification Sherloc (09022015). Collection method: clinical testing. Allele origin: germline.
Comment: This sequence change replaces alanine, which is neutral and non-polar, with glycine, which is neutral and non-polar, at codon 218 of the MC1R protein (p.Ala218Gly). This variant is present in population databases (rs749385653, gnomAD 0.003%). This missense change has been observed in individual(s) with melanoma (PMID: 16982779, 20876876). ClinVar contains an entry for this variant (Variation ID: 886733). An algorithm developed to predict the effect of missense changes on protein structure and function (PolyPhen-2) suggests that this variant is likely to be tolerated. In summary, the available evidence is currently insufficient to determine the role of this variant in disease. Therefore, it has been classified as a Variant of Uncertain Significance.

Illumina Laboratory Services, Illumina
Classification: Uncertain significance for Melanoma, cutaneous malignant, susceptibility to, 5. Last evaluated: 2017-04-28. Review status: criteria provided, single submitter. Criteria: ICSL Variant Classification Criteria 13 December 2019. Collection method: clinical testing. Allele origin: germline.
Comment: This variant was observed as part of a predisposition screen in an ostensibly healthy population. A literature search was performed for the gene, cDNA change, and amino acid change (where applicable). Publications were found based on this search. However, the evidence from the literature, in combination with allele frequency data from public databases where available, was not sufficient to rule this variant in or out of causing disease. Therefore, this variant is classified as a variant of unknown significance.

Literature cited by the submitters: PubMed 16982779 (cited by Labcorp Genetics (formerly Invitae), Labcorp); PubMed 20876876 (cited by Labcorp Genetics (formerly Invitae), Labcorp and Illumina Laboratory Services, Illumina).